The following is an entry in ClinVar:

NM_032520.5(GNPTG):c.798C>T (p.His266=)

Gene: GNPTG (N-acetylglucosamine-1-phosphate transferase subunit gamma; plus strand). Cytogenetic location: 16p13.3.
Variant type: single nucleotide variant.
Coding change: c.798C>T on transcript NM_032520.5 (MANE Select); coding-DNA position 798, C replaced by T.
Protein change: p.His266=; no amino-acid change (histidine 266 retained).
Molecular consequence: synonymous variant.
Genome position (GRCh38, 1-based): chr16:1,362,881, C>T. VCF-style: chr16-1362881-C-T. GRCh37 (hg19) VCF-style: chr16-1412882-C-T.
Identifiers: ClinVar variation 317893 (VCV000317893.41), dbSNP rs375787769, ClinGen allele CA7807955.

ClinVar aggregate classification (germline): Conflicting classifications of pathogenicity. Review status: criteria provided, conflicting classifications (1 of 4 stars). 5 submissions from 5 submitters: Uncertain significance (1); Likely benign (4). Last evaluated 2025-12-09.

Conditions:
GNPTG-mucolipidosis. Also called: Mucolipidosis type III gamma; ML III GAMMA; ML IIIC; MUCOLIPIDOSIS III, COMPLEMENTATION GROUP C; MUCOLIPIDOSIS III, IRANIAN VARIANT FORM; MUCOLIPIDOSIS III, VARIANT FORM. Identifiers: Orphanet 423470, Orphanet 577, MedGen C1854896, MONDO:0009652, OMIM 252605.

Allele frequency attached by ClinVar (database versions not stated): TOPMed 0.00002; ESP Exome Variant Server 0.00008.
gnomAD v4.1: 40 of 1,613,900 alleles (0.0025%); highest among the groups gnomAD compares: Non-Finnish European, 0.0028%; no homozygotes.

Submissions (5):

Labcorp Genetics (formerly Invitae), Labcorp
Classification: Likely benign. Last evaluated: 2025-12-09. Review status: criteria provided, single submitter. Criteria: Invitae Variant Classification Sherloc (09022015). Collection method: clinical testing. Allele origin: germline.

Blueprint Genetics
Classification: Likely benign. Last evaluated: 2023-06-15. Review status: criteria provided, single submitter. Criteria: ACMG Guidelines, 2015. Collection method: clinical testing. Allele origin: germline.

CeGaT Center for Human Genetics Tuebingen
Classification: Likely benign. Last evaluated: 2023-03-01. Review status: criteria provided, single submitter. Criteria: CeGaT Center For Human Genetics Tuebingen Variant Classification Criteria Version 2. Collection method: clinical testing. Allele origin: germline. Affected: yes. Observed: 1 variant allele.
Comment: GNPTG: BP4, BP7

Genome-Nilou Lab
Classification: Likely benign for GNPTG-mucolipidosis. Last evaluated: 2021-11-07. Review status: criteria provided, single submitter. Criteria: ACMG Guidelines, 2015. Collection method: clinical testing. Allele origin: germline. Affected: no.

Illumina Laboratory Services, Illumina
Classification: Uncertain significance for GNPTG-mucolipidosis. Last evaluated: 2018-01-13. Review status: criteria provided, single submitter. Criteria: ICSL Variant Classification Criteria 13 December 2019. Collection method: clinical testing. Allele origin: germline.